The following is an entry in ClinVar:

NM_001040108.2(MLH3):c.2579A>G (p.Asn860Ser)

Gene: MLH3 (mutL homolog 3; minus strand). Cytogenetic location: 14q24.3.
Variant type: single nucleotide variant.
Coding change: c.2579A>G on transcript NM_001040108.2 (MANE Select); coding-DNA position 2579, A replaced by G.
Protein change: p.Asn860Ser; replaces asparagine 860 with serine.
Molecular consequence: missense variant.
Genome position (GRCh38, 1-based): chr14:75,047,077, T>C on the plus strand (A>G on the coding strand, the complement: MLH3 is on the minus strand). VCF-style: chr14-75047077-T-C. GRCh37 (hg19) VCF-style: chr14-75513780-T-C.
Other names: c.2579A>G, p.Asn860Ser (NM_014381.3); short protein forms N860S.
Identifiers: ClinVar variation 2624084 (VCV002624084.2), dbSNP rs1264560573, ClinGen allele CA390439805.

ClinVar aggregate classification (germline): Uncertain significance (1 of 4 stars; one submission).

Allele frequency attached by ClinVar (database versions not stated): TOPMed below 0.00001.

Submission:

Ambry Genetics
Classification: Uncertain significance. Last evaluated: 2023-08-28. Review status: criteria provided, single submitter. Criteria: Ambry Variant Classification Scheme 2023. Collection method: clinical testing. Allele origin: germline.
Comment: The p.N860S variant (also known as c.2579A>G), located in coding exon 1 of the MLH3 gene, results from an A to G substitution at nucleotide position 2579. The asparagine at codon 860 is replaced by serine, an amino acid with highly similar properties. This amino acid position is not well conserved in available vertebrate species. In addition, this alteration is predicted to be tolerated by in silico analysis. The evidence for this gene-disease relationship is limited; therefore, the clinical significance of this alteration is unclear.